The following is an entry in ClinVar:

NM_005120.3(MED12):c.6195G>A (p.Gln2065=)

Gene: MED12 (mediator complex subunit 12; plus strand). Cytogenetic location: Xq13.1.
Variant type: single nucleotide variant.
Coding change: c.6195G>A on transcript NM_005120.3 (MANE Select); coding-DNA position 6195, G replaced by A.
Protein change: p.Gln2065=; no amino-acid change (glutamine 2065 retained).
Molecular consequence: synonymous variant.
Genome position (GRCh38, 1-based): chrX:71,140,785, G>A. VCF-style: chrX-71140785-G-A. GRCh37 (hg19) VCF-style: chrX-70360635-G-A.
Identifiers: ClinVar variation 1087072 (VCV001087072.13), dbSNP rs1001762438, ClinGen allele CA330984994.

ClinVar aggregate classification (germline): Likely benign. Review status: criteria provided, multiple submitters, no conflicts (2 of 4 stars). 2 submissions from 2 submitters: Likely benign (2). Last evaluated 2026-01-01.

Conditions:
FG syndrome (FGS). Identifiers: MedGen C0220769, MONDO:0002010.

Allele frequency attached by ClinVar (database versions not stated): gnomAD exomes below 0.00001.
gnomAD v4.1: 1 of 1,208,707 alleles (0.000083%); highest among the groups gnomAD compares: Non-Finnish European, 0.00011%; no homozygotes.

Submissions (2):

CeGaT Center for Human Genetics Tuebingen
Classification: Likely benign. Last evaluated: 2026-01-01. Review status: criteria provided, single submitter. Criteria: CeGaT Center For Human Genetics Tuebingen Variant Classification Criteria Version 2. Collection method: clinical testing. Allele origin: germline. Affected: yes. Observed: 1 variant allele.
Comment: MED12: BP4, BP7

Labcorp Genetics (formerly Invitae), Labcorp
Classification: Likely benign for FG syndrome. Last evaluated: 2019-12-28. Review status: criteria provided, single submitter. Criteria: Invitae Variant Classification Sherloc (09022015). Collection method: clinical testing. Allele origin: germline.